The following is an entry in ClinVar:

NM_001042492.3(NF1):c.5788T>C (p.Cys1930Arg)

Gene: NF1 (neurofibromin 1; plus strand). Cytogenetic location: 17q11.2.
Variant type: single nucleotide variant.
Coding change: c.5788T>C on transcript NM_001042492.3 (MANE Select); coding-DNA position 5788, T replaced by C.
Protein change: p.Cys1930Arg; replaces cysteine 1930 with arginine.
Molecular consequence: missense variant.
Genome position (GRCh38, 1-based): chr17:31,330,474, T>C. VCF-style: chr17-31330474-T-C. GRCh37 (hg19) VCF-style: chr17-29657492-T-C.
Other names: c.5725T>C, p.Cys1909Arg (NM_000267.4); short protein forms C1909R, C1930R.
Identifiers: ClinVar variation 971853 (VCV000971853.13), dbSNP rs2069454402, ClinGen allele CA399010476.

ClinVar aggregate classification (germline): Pathogenic/Likely pathogenic. Review status: criteria provided, multiple submitters, no conflicts (2 of 4 stars). 4 submissions from 4 submitters: Pathogenic (1); Likely pathogenic (3). Last evaluated 2026-01-31.

Conditions:
NF1-related disorder. Also called: NF1-related condition. Identifiers: MedGen CN379171.
Neurofibromatosis, type 1 (NF1). Also called: Neurofibromatosis, type I; VON RECKLINGHAUSEN DISEASE; NEUROFIBROMATOSIS, TYPE I, SOMATIC; Peripheral type neurofibromatosis. Identifiers: Orphanet 636, MedGen C0027831, MONDO:0018975, OMIM 162200. Disease mechanism: loss of function.

Submissions (4):

PreventionGenetics, part of Exact Sciences
Classification: Likely pathogenic for NF1-related condition. Last evaluated: 2026-01-31. Review status: criteria provided, single submitter. Criteria: ACMG Guidelines, 2015. Collection method: clinical testing. Allele origin: germline.
Comment: The NF1 c.5725T>C variant is predicted to result in the amino acid substitution p.Cys1909Arg. This variant was reported in individuals with neurofibromatosis type 1 (Lee et al. 2006. PubMed ID: 16835897; Santoro et al. 2017. PubMed ID: 28422438; Wang et al. 2011. PubMed ID: 22105171). Experimental studies have conflicting results regarding whether this variant impacts NF1 protein function (Wang et al. 2011. PubMed ID: 22105171). This variant has not been reported in a large population database (gnomAD), indicating this variant is rare. It is classified as likely pathogenic or pathogenic in ClinVar (Variation ID: 971853). This variant is interpreted as likely pathogenic.

Labcorp Genetics (formerly Invitae), Labcorp
Classification: Pathogenic for Neurofibromatosis, type 1. Last evaluated: 2024-12-24. Review status: criteria provided, single submitter. Criteria: Invitae Variant Classification Sherloc (09022015). Collection method: clinical testing. Allele origin: germline.
Comment: This sequence change replaces cysteine, which is neutral and slightly polar, with arginine, which is basic and polar, at codon 1909 of the NF1 protein (p.Cys1909Arg). This variant is not present in population databases (gnomAD no frequency). This missense change has been observed in individual(s) with neurofibromatosis type I and moyamoya syndrome (PMID: 16835897, 28422438; internal data). In at least one individual the variant was observed to be de novo. ClinVar contains an entry for this variant (Variation ID: 971853). Invitae Evidence Modeling of protein sequence and biophysical properties (such as structural, functional, and spatial information, amino acid conservation, physicochemical variation, residue mobility, and thermodynamic stability) indicates that this missense variant is expected to disrupt NF1 protein function with a positive predictive value of 95%. Experimental studies have shown that this missense change does not substantially affect NF1 function (PMID: 22105171). For these reasons, this variant has been classified as Pathogenic.

GeneDx
Classification: Likely pathogenic. Last evaluated: 2023-11-08. Review status: criteria provided, single submitter. Criteria: GeneDx Variant Classification Process June 2021. Collection method: clinical testing. Allele origin: germline. Affected: yes.
Comment: Published functional studies are inconclusive; variant does not affect LRD domain protein-interaction, but affects dendritic spinogenesis in vitro (PMID: 22105171); In silico analysis supports that this missense variant has a deleterious effect on protein structure/function; Not observed in large population cohorts (gnomAD); This variant is associated with the following publications: (PMID: 28422438, 16835897, 22105171, 36980803)

Genome-Nilou Lab
Classification: Likely pathogenic for Neurofibromatosis, type 1. Last evaluated: 2022-03-15. Review status: criteria provided, single submitter. Criteria: ACMG Guidelines, 2015. Collection method: clinical testing. Allele origin: germline. Affected: no.

Literature cited by the submitters: PubMed 16835897 (cited by Labcorp Genetics (formerly Invitae), Labcorp); PubMed 28422438 (cited by Labcorp Genetics (formerly Invitae), Labcorp); PubMed 22105171 (cited by Labcorp Genetics (formerly Invitae), Labcorp).